The following is an entry in ClinVar:

ClinVar aggregate classification (germline): Conflicting classifications of pathogenicity. Review status: criteria provided, conflicting classifications (1 of 4 stars). 2 submissions from 2 submitters: Uncertain significance (1); Likely benign (1). Last evaluated 2025-12-24.

Submissions (2):

Labcorp Genetics (formerly Invitae), Labcorp
Classification: Uncertain significance. Last evaluated: 2025-12-24. Review status: criteria provided, single submitter. Criteria: Invitae Variant Classification Sherloc (09022015). Collection method: clinical testing. Allele origin: germline.
Comment: This sequence change replaces lysine, which is basic and polar, with glutamine, which is neutral and polar, at codon 353 of the ASXL1 protein (p.Lys353Gln). This variant is present in population databases (rs756364371, gnomAD 0.002%). This variant has not been reported in the literature in individuals affected with ASXL1-related conditions. An algorithm developed to predict the effect of missense changes on protein structure and function (PolyPhen-2) suggests that this variant is likely to be disruptive. In summary, the available evidence is currently insufficient to determine the role of this variant in disease. Therefore, it has been classified as a Variant of Uncertain Significance.

Blueprint Genetics
Classification: Likely benign. Last evaluated: 2023-09-14. Review status: criteria provided, single submitter. Criteria: ACMG Guidelines, 2015. Collection method: clinical testing. Allele origin: germline.

NM_015338.6(ASXL1):c.1057A>C (p.Lys353Gln)

Gene: ASXL1 (ASXL transcriptional regulator 1; plus strand). Cytogenetic location: 20q11.21.
Variant type: single nucleotide variant.
Coding change: c.1057A>C on transcript NM_015338.6 (MANE Select); coding-DNA position 1057, A replaced by C.
Protein change: p.Lys353Gln; replaces lysine 353 with glutamine.
Molecular consequence: missense variant.
Genome position (GRCh38, 1-based): chr20:32,432,957, A>C. VCF-style: chr20-32432957-A-C. GRCh37 (hg19) VCF-style: chr20-31020760-A-C.
Other names: c.874A>C, p.Lys292Gln (NM_001363734.1); short protein forms K292Q, K353Q.
Identifiers: ClinVar variation 4748845 (VCV004748845.2).